The following is an entry in ClinVar:

ClinVar aggregate classification (germline): Likely benign. Review status: criteria provided, multiple submitters, no conflicts (2 of 4 stars). 2 submissions from 2 submitters: Likely benign (2). Last evaluated 2025-06-24.

Conditions:
GP6-related disorder. Also called: GP6-related condition.

Allele frequency attached by ClinVar (database versions not stated): gnomAD 0.00005 and 0.00006; gnomAD exomes 0.00007 and 0.00037; TOPMed 0.00026; ExAC 0.00030.
gnomAD v4.1: 113 of 1,613,404 alleles (0.007%); highest among the groups gnomAD compares: Admixed American, 0.19%; 1 homozygote.

Submissions (2):

PreventionGenetics, part of Exact Sciences
Classification: Likely benign for GP6-related condition. Last evaluated: 2025-06-24. Review status: criteria provided, single submitter. Criteria: ACMG Guidelines, 2015. Collection method: clinical testing. Allele origin: germline.
Comment: This variant is classified as likely benign based on ACMG/AMP sequence variant interpretation guidelines (Richards et al. 2015 PMID: 25741868, with internal and published modifications).

Labcorp Genetics (formerly Invitae), Labcorp
Classification: Likely benign. Last evaluated: 2018-05-15. Review status: criteria provided, single submitter. Criteria: Invitae Variant Classification Sherloc (09022015). Collection method: clinical testing. Allele origin: germline.

NM_016363.5(GP6):c.963A>T (p.Ser321=)

Gene: GP6 (glycoprotein VI platelet; minus strand). Cytogenetic location: 19q13.42.
Variant type: single nucleotide variant.
Coding change: c.963A>T on transcript NM_016363.5 (MANE Select); coding-DNA position 963, A replaced by T.
Protein change: p.Ser321=; no amino-acid change (serine 321 retained).
Molecular consequence: synonymous variant. On other transcripts: nonsense (1).
Genome position (GRCh38, 1-based): chr19:55,014,978, T>A on the plus strand (A>T on the coding strand, the complement: GP6 is on the minus strand). VCF-style: chr19-55014978-T-A. GRCh37 (hg19) VCF-style: chr19-55526346-T-A.
Other names: c.967A>T, p.Lys323Ter (NM_001083899.2); c.909A>T, p.Ser303= (NM_001256017.2); short protein forms K323*.
Identifiers: ClinVar variation 708353 (VCV000708353.5), dbSNP rs757950138, ClinGen allele CA310121739.